The following is an entry in ClinVar:

ClinVar aggregate classification (germline): Uncertain significance (1 of 4 stars; one submission).

Conditions:
Severe early-onset pulmonary alveolar proteinosis due to MARS deficiency. Also called: PULMONARY ALVEOLAR PROTEINOSIS, REUNION ISLAND; Interstitial lung and liver disease. Identifiers: Orphanet 440427, MedGen C4225400, MONDO:0014206, OMIM 615486.
Charcot-Marie-Tooth disease axonal type 2U. Also called: CHARCOT-MARIE-TOOTH NEUROPATHY, TYPE 2U; CHARCOT-MARIE-TOOTH DISEASE, AXONAL, AUTOSOMAL DOMINANT, TYPE 2U. Identifiers: Orphanet 397735, MedGen C4084821, MONDO:0014566, OMIM 616280.

gnomAD v4.1: 1 of 1,613,542 alleles (0.000062%); highest among the groups gnomAD compares: African/African-American, 0.0013%; no homozygotes.

Submission:

Labcorp Genetics (formerly Invitae), Labcorp
Classification: Uncertain significance for Charcot-Marie-Tooth disease axonal type 2U; Severe early-onset pulmonary alveolar proteinosis due to MARS deficiency. Last evaluated: 2024-06-06. Review status: criteria provided, single submitter. Criteria: Invitae Variant Classification Sherloc (09022015). Collection method: clinical testing. Allele origin: germline.
Comment: This sequence change falls in intron 12 of the MARS gene. It does not directly change the encoded amino acid sequence of the MARS protein. It affects a nucleotide within the consensus splice site. This variant is not present in population databases (gnomAD no frequency). This variant has not been reported in the literature in individuals affected with MARS-related conditions. Variants that disrupt the consensus splice site are a relatively common cause of aberrant splicing (PMID: 17576681, 9536098). Algorithms developed to predict the effect of sequence changes on RNA splicing suggest that this variant is not likely to affect RNA splicing. In summary, the available evidence is currently insufficient to determine the role of this variant in disease. Therefore, it has been classified as a Variant of Uncertain Significance.

Literature cited by the submitters: PubMed 17576681; PubMed 9536098.

NM_004990.4(MARS1):c.1539+3A>G

Gene: MARS1 (methionyl-tRNA synthetase 1; plus strand). Cytogenetic location: 12q13.3.
Variant type: single nucleotide variant.
Coding change: c.1539+3A>G on transcript NM_004990.4 (MANE Select); 3 bases into the intron after coding-DNA position 1539, A replaced by G.
Molecular consequence: intron variant.
Genome position (GRCh38, 1-based): chr12:57,511,871, A>G. VCF-style: chr12-57511871-A-G. GRCh37 (hg19) VCF-style: chr12-57905654-A-G.
Identifiers: ClinVar variation 3750732 (VCV003750732.2).